The following is an entry in ClinVar:

ClinVar aggregate classification (germline): Uncertain significance. Review status: criteria provided, multiple submitters, no conflicts (2 of 4 stars). 2 submissions from 2 submitters: Uncertain significance (2). Last evaluated 2025-12-13.

Conditions:
Hereditary cancer-predisposing syndrome. Also called: Tumor predisposition; Hereditary neoplastic syndrome; Neoplastic Syndromes, Hereditary; Hereditary Cancer Syndrome. Identifiers: Orphanet 140162, MedGen C0027672, MeSH D009386, MONDO:0015356.

gnomAD v4.1: 5 of 1,590,314 alleles (0.00031%); highest among the groups gnomAD compares: Non-Finnish European, 0.00034%; no homozygotes.

Submissions (2):

Ambry Genetics
Classification: Uncertain significance for Hereditary cancer-predisposing syndrome. Last evaluated: 2025-12-13. Review status: criteria provided, single submitter. Criteria: Ambry Variant Classification Scheme 2023. Collection method: clinical testing. Allele origin: germline.
Comment: The p.R383L variant (also known as c.1148G>T), located in coding exon 8 of the CTNNA1 gene, results from a G to T substitution at nucleotide position 1148. The arginine at codon 383 is replaced by leucine, an amino acid with dissimilar properties. This amino acid position is conserved. In addition, this alteration is predicted to be deleterious by in silico analysis. Based on the available evidence, the clinical significance of this variant remains unclear.

Labcorp Genetics (formerly Invitae), Labcorp
Classification: Uncertain significance. Last evaluated: 2025-02-26. Review status: criteria provided, single submitter. Criteria: Invitae Variant Classification Sherloc (09022015). Collection method: clinical testing. Allele origin: germline.
Comment: This sequence change replaces arginine, which is basic and polar, with leucine, which is neutral and non-polar, at codon 383 of the CTNNA1 protein (p.Arg383Leu). This variant is not present in population databases (gnomAD no frequency). This variant has not been reported in the literature in individuals affected with CTNNA1-related conditions. ClinVar contains an entry for this variant (Variation ID: 1357322). Invitae Evidence Modeling of protein sequence and biophysical properties (such as structural, functional, and spatial information, amino acid conservation, physicochemical variation, residue mobility, and thermodynamic stability) has been performed for this missense variant. However, the output from this modeling did not meet the statistical confidence thresholds required to predict the impact of this variant on CTNNA1 protein function. In summary, the available evidence is currently insufficient to determine the role of this variant in disease. Therefore, it has been classified as a Variant of Uncertain Significance.

NM_001903.5(CTNNA1):c.1148G>T (p.Arg383Leu)

Gene: CTNNA1 (catenin alpha 1; plus strand). Cytogenetic location: 5q31.2.
Variant type: single nucleotide variant.
Coding change: c.1148G>T on transcript NM_001903.5 (MANE Select); coding-DNA position 1148, G replaced by T.
Protein change: p.Arg383Leu; replaces arginine 383 with leucine.
Molecular consequence: missense variant. On other transcripts: 5 prime UTR variant (5), intron variant (2).
Genome position (GRCh38, 1-based): chr5:138,887,494, G>T. VCF-style: chr5-138887494-G-T. GRCh37 (hg19) VCF-style: chr5-138223183-G-T.
Other names: c.1148G>T (NM_001903.2); c.1148G>T, p.Arg383Leu (NM_001290307.3, NM_001323982.2, NM_001323983.1 and 3 more transcripts); c.839G>T, p.Arg280Leu (NM_001290309.3); c.779G>T, p.Arg260Leu (NM_001290310.3); c.38G>T, p.Arg13Leu (NM_001290312.1, NM_001323987.1, NM_001323988.1 and 18 more transcripts); c.-360G>T (NM_001324006.1, NM_001324007.1, NM_001324008.1 and 1 more transcripts); c.-235G>T (NM_001324013.1); c.-58+11897G>T (NM_001324012.1); and 1 more; short protein forms R260L, R13L, R280L, R383L.
Identifiers: ClinVar variation 1357322 (VCV001357322.9), dbSNP rs780380304, ClinGen allele CA361132894.
Genomic context (GRCh38, chr5:138,887,494, plus strand): 5'-CTATTTAATACCTTTTTGGTAGAAATAAAATCAAATTTTTACAATTTAATCATTAGCTCC[G>T]CAAAGCTGTCATGGACCACGTTTCAGATTCTTTCCTGGAAACCAATGTTCCACTTTTGGT-3'
Protein context (NP_001894.2, residues 373-393): KKTRDLRRQL[Arg383Leu]KAVMDHVSDS